The following is an entry in ClinVar:

ClinVar aggregate classification (germline): Uncertain significance (1 of 4 stars; one submission).

Conditions:
Catecholaminergic polymorphic ventricular tachycardia 1. Also called: VENTRICULAR TACHYCARDIA, CATECHOLAMINERGIC POLYMORPHIC, 1, WITH OR WITHOUT ATRIAL DYSFUNCTION AND/OR DILATED CARDIOMYOPATHY; RYR2-Related Catecholaminergic Polymorphic Ventricular Tachycardia; VENTRICULAR TACHYCARDIA, STRESS-INDUCED POLYMORPHIC 1. Identifiers: Orphanet 3286, MedGen C1631597, MONDO:0011484, OMIM 604772.

Allele frequency attached by ClinVar (database versions not stated): gnomAD exomes below 0.00001.
gnomAD v4.1: 2 of 1,586,118 alleles (0.00013%); highest among the groups gnomAD compares: Non-Finnish European, 0.00017%; no homozygotes.

Submission:

Labcorp Genetics (formerly Invitae), Labcorp
Classification: Uncertain significance for Catecholaminergic polymorphic ventricular tachycardia 1. Last evaluated: 2022-01-16. Review status: criteria provided, single submitter. Criteria: Invitae Variant Classification Sherloc (09022015). Collection method: clinical testing. Allele origin: germline.
Comment: This sequence change replaces leucine, which is neutral and non-polar, with phenylalanine, which is neutral and non-polar, at codon 309 of the TRDN protein (p.Leu309Phe). This variant is not present in population databases (gnomAD no frequency). This variant has not been reported in the literature in individuals affected with TRDN-related conditions. Algorithms developed to predict the effect of missense changes on protein structure and function are either unavailable or do not agree on the potential impact of this missense change (SIFT: "Tolerated"; PolyPhen-2: "Probably Damaging"; Align-GVGD: "Class C0"). In summary, the available evidence is currently insufficient to determine the role of this variant in disease. Therefore, it has been classified as a Variant of Uncertain Significance.

NM_006073.4(TRDN):c.925C>T (p.Leu309Phe)

Genes: TRDN (triadin; minus strand), TRDN-AS1 (TRDN antisense RNA 1; plus strand). Cytogenetic location: 6q22.31.
Variant type: single nucleotide variant.
Coding change: c.925C>T on transcript NM_006073.4 (MANE Select); coding-DNA position 925, C replaced by T.
Protein change: p.Leu309Phe; replaces leucine 309 with phenylalanine.
Molecular consequence: missense variant.
Genome position (GRCh38, 1-based): chr6:123,464,912, G>A on the plus strand (C>T on the coding strand, the complement: TRDN is on the minus strand). VCF-style: chr6-123464912-G-A. GRCh37 (hg19) VCF-style: chr6-123786057-G-A.
Other names: c.925C>T, p.Leu309Phe (NM_001251987.2); c.865C>T, p.Leu289Phe (NM_001256020.2, NM_001407315.1); short protein forms L289F, L309F.
Identifiers: ClinVar variation 2086285 (VCV002086285.4), dbSNP rs2534151545, ClinGen allele CA365566866.